The following is an entry in ClinVar:

NM_014339.7(IL17RA):c.698T>C (p.Leu233Pro)

Gene: IL17RA (interleukin 17 receptor A; plus strand). Cytogenetic location: 22q11.1.
Variant type: single nucleotide variant.
Coding change: c.698T>C on transcript NM_014339.7 (MANE Select); coding-DNA position 698, T replaced by C.
Protein change: p.Leu233Pro; replaces leucine 233 with proline.
Molecular consequence: missense variant.
Genome position (GRCh38, 1-based): chr22:17,102,238, T>C. VCF-style: chr22-17102238-T-C. GRCh37 (hg19) VCF-style: chr22-17583128-T-C.
Other names: c.698T>C, p.Leu233Pro (NM_001289905.2); short protein forms L233P.
Identifiers: ClinVar variation 1370595 (VCV001370595.7), dbSNP rs1302439369, ClinGen allele CA410213109.

ClinVar aggregate classification (germline): Uncertain significance. Review status: criteria provided, multiple submitters, no conflicts (2 of 4 stars). 2 submissions from 2 submitters: Uncertain significance (2). Last evaluated 2023-11-08.

Conditions:
Immunodeficiency 51 (IMD51). Also called: CANDIDIASIS, FAMILIAL, 5. Identifiers: Orphanet 1334, MedGen C4310803, MONDO:0013500, OMIM 613953.

Allele frequency attached by ClinVar (database versions not stated): gnomAD exomes below 0.00001; TOPMed below 0.00001.
gnomAD v4.1: 1 of 1,614,210 alleles (0.000062%); highest among the groups gnomAD compares: Non-Finnish European, 0.000085%; no homozygotes.

Submissions (2):

Labcorp Genetics (formerly Invitae), Labcorp
Classification: Uncertain significance for Immunodeficiency 51. Last evaluated: 2023-11-08. Review status: criteria provided, single submitter. Criteria: Invitae Variant Classification Sherloc (09022015). Collection method: clinical testing. Allele origin: germline.
Comment: This sequence change replaces leucine, which is neutral and non-polar, with proline, which is neutral and non-polar, at codon 233 of the IL17RA protein (p.Leu233Pro). This variant is not present in population databases (gnomAD no frequency). This variant has not been reported in the literature in individuals affected with IL17RA-related conditions. ClinVar contains an entry for this variant (Variation ID: 1370595). Advanced modeling of protein sequence and biophysical properties (such as structural, functional, and spatial information, amino acid conservation, physicochemical variation, residue mobility, and thermodynamic stability) performed at Invitae indicates that this missense variant is expected to disrupt IL17RA protein function with a positive predictive value of 80%. In summary, the available evidence is currently insufficient to determine the role of this variant in disease. Therefore, it has been classified as a Variant of Uncertain Significance.

Blueprint Genetics
Classification: Uncertain significance. Last evaluated: 2022-01-14. Review status: criteria provided, single submitter. Criteria: ACMG Guidelines, 2015. Collection method: clinical testing. Allele origin: germline.